The following is an entry in ClinVar:

NM_000660.7(TGFB1):c.529A>G (p.Asn177Asp)

Gene: TGFB1 (transforming growth factor beta 1; minus strand). Cytogenetic location: 19q13.2.
Variant type: single nucleotide variant.
Coding change: c.529A>G on transcript NM_000660.7 (MANE Select); coding-DNA position 529, A replaced by G.
Protein change: p.Asn177Asp; replaces asparagine 177 with aspartic acid.
Molecular consequence: missense variant.
Genome position (GRCh38, 1-based): chr19:41,344,852, T>C on the plus strand (A>G on the coding strand, the complement: TGFB1 is on the minus strand). VCF-style: chr19-41344852-T-C. GRCh37 (hg19) VCF-style: chr19-41850757-T-C.
Other names: short protein forms N177D.
Identifiers: ClinVar variation 1421136 (VCV001421136.8), dbSNP rs202057576, ClinGen allele CA308512793.

ClinVar aggregate classification (germline): Uncertain significance (1 of 4 stars; one submission).

Allele frequency attached by ClinVar (database versions not stated): gnomAD 0.00001 and 0.00002; gnomAD exomes 0.00001 and 0.00002; TOPMed 0.00001; 1000 Genomes Project 30x 0.00016; 1000 Genomes Project 0.00020.

Submission:

Labcorp Genetics (formerly Invitae), Labcorp
Classification: Uncertain significance. Last evaluated: 2025-12-14. Review status: criteria provided, single submitter. Criteria: Invitae Variant Classification Sherloc (09022015). Collection method: clinical testing. Allele origin: germline.
Comment: This sequence change replaces asparagine, which is neutral and polar, with aspartic acid, which is acidic and polar, at codon 177 of the TGFB1 protein (p.Asn177Asp). This variant is present in population databases (rs202057576, gnomAD 0.01%). This variant has not been reported in the literature in individuals affected with TGFB1-related conditions. ClinVar contains an entry for this variant (Variation ID: 1421136). Invitae Evidence Modeling of protein sequence and biophysical properties (such as structural, functional, and spatial information, amino acid conservation, physicochemical variation, residue mobility, and thermodynamic stability) indicates that this missense variant is not expected to disrupt TGFB1 protein function with a negative predictive value of 80%. In summary, the available evidence is currently insufficient to determine the role of this variant in disease. Therefore, it has been classified as a Variant of Uncertain Significance.